The following is an entry in ClinVar:

NM_207111.4(RNF216):c.2538G>A (p.Pro846=)

Gene: RNF216 (ring finger protein 216; minus strand). Cytogenetic location: 7p22.1.
Variant type: single nucleotide variant.
Coding change: c.2538G>A on transcript NM_207111.4 (MANE Select); coding-DNA position 2538, G replaced by A.
Protein change: p.Pro846=; no amino-acid change (proline 846 retained).
Molecular consequence: synonymous variant.
Genome position (GRCh38, 1-based): chr7:5,623,094, C>T on the plus strand (G>A on the coding strand, the complement: RNF216 is on the minus strand). VCF-style: chr7-5623094-C-T. GRCh37 (hg19) VCF-style: chr7-5662725-C-T.
Other names: c.2367G>A, p.Pro789= (NM_207116.3).
Identifiers: ClinVar variation 788419 (VCV000788419.33), dbSNP rs142956703, ClinGen allele CA4147766.
Genomic context (GRCh38, chr7:5,623,094, plus strand): 5'-CAGGGGGAAGGGTGGGTGCGCGAAGGCATAGGGTGGCATCTGTGGCTGTGGCAGGTTCTG[C>T]GGAACGGGCCTCGGGAGGGCCTCCACCCTCTGCACCTTCTCCACAGGCTTCTCCAGCGGG-3'
Protein context (NP_996994.1, residues 836-856): QRVEALPRPV[Pro846=]QNLPQPQMPP

ClinVar aggregate classification (germline): Benign/Likely benign. Review status: criteria provided, multiple submitters, no conflicts (2 of 4 stars). 3 submissions from 3 submitters: Benign (1); Likely benign (2). Last evaluated 2026-01-19.

Allele frequency attached by ClinVar (database versions not stated): ExAC 0.00087; 1000 Genomes Project 0.00220; 1000 Genomes Project 30x 0.00250; gnomAD 0.00269 and 0.00300; ESP Exome Variant Server 0.00292; TOPMed 0.00311; gnomAD exomes 0.00073.
gnomAD v4.1: 879 of 1,610,566 alleles (0.055%); highest among the groups gnomAD compares: African/African-American, 0.93%; 6 homozygotes.

Submissions (3):

Labcorp Genetics (formerly Invitae), Labcorp
Classification: Benign. Last evaluated: 2026-01-19. Review status: criteria provided, single submitter. Criteria: Invitae Variant Classification Sherloc (09022015). Collection method: clinical testing. Allele origin: germline.

Blueprint Genetics
Classification: Likely benign. Last evaluated: 2024-09-23. Review status: criteria provided, single submitter. Criteria: ACMG Guidelines, 2015. Collection method: clinical testing. Allele origin: germline.

CeGaT Center for Human Genetics Tuebingen
Classification: Likely benign. Last evaluated: 2023-11-01. Review status: criteria provided, single submitter. Criteria: CeGaT Center For Human Genetics Tuebingen Variant Classification Criteria Version 2. Collection method: clinical testing. Allele origin: germline. Affected: yes. Observed: 1 variant allele.
Comment: RNF216: BP4, BP7, BS2